The following is an entry in ClinVar:

ClinVar aggregate classification (germline): Likely benign (1 of 4 stars; one submission).

Allele frequency attached by ClinVar (database versions not stated): 1000 Genomes Project 0.00439; 1000 Genomes Project 30x 0.00468.
gnomAD v4.1: 828 of 802,716 alleles (0.1%); highest among the groups gnomAD compares: African/African-American, 1.3%; 10 homozygotes.

Submission:

GeneDx
Classification: Likely benign. Last evaluated: 2021-02-19. Review status: criteria provided, single submitter. Criteria: GeneDx Variant Classification Process June 2021. Collection method: clinical testing. Allele origin: germline. Affected: yes.
Comment: See Variant Classification Assertion Criteria.

NM_144508.5(KNL1):c.6006+69A>T

Gene: KNL1 (kinetochore scaffold 1; plus strand). Cytogenetic location: 15q15.1.
Variant type: single nucleotide variant.
Coding change: c.6006+69A>T on transcript NM_144508.5 (MANE Select); 69 bases into the intron after coding-DNA position 6006, A replaced by T.
Molecular consequence: intron variant.
Genome position (GRCh38, 1-based): chr15:40,645,841, A>T. VCF-style: chr15-40645841-A-T. GRCh37 (hg19) VCF-style: chr15-40938039-A-T.
Other names: c.6084+69A>T (NM_170589.5).
Identifiers: ClinVar variation 1687671 (VCV001687671.2), dbSNP rs114624916, ClinGen allele CA268838373.